The following is an entry in ClinVar:

NM_000057.4(BLM):c.406C>T (p.Leu136Phe)

Gene: BLM (BLM RecQ like helicase; plus strand). Cytogenetic location: 15q26.1.
Variant type: single nucleotide variant.
Coding change: c.406C>T on transcript NM_000057.4 (MANE Select); coding-DNA position 406, C replaced by T.
Protein change: p.Leu136Phe; replaces leucine 136 with phenylalanine.
Molecular consequence: missense variant. On other transcripts: 5 prime UTR variant (1).
Genome position (GRCh38, 1-based): chr15:90,749,674, C>T. VCF-style: chr15-90749674-C-T. GRCh37 (hg19) VCF-style: chr15-91292904-C-T.
Other names: c.406C>T, p.Leu136Phe (NM_001287246.2, NM_001287247.2); c.-886C>T (NM_001287248.2); short protein forms L136F.
Identifiers: ClinVar variation 2704635 (VCV002704635.3), dbSNP rs2151147300, ClinGen allele CA393840477.
Genomic context (GRCh38, chr15:90,749,674, plus strand): 5'-AAGGAAGTTGTATGCACTACCCAAAACACACCAACTGTAAAGAAATCCCGGGATACTGCT[C>T]TCAAGAAATTAGAATTTAGTTCTTCACCAGATTCTTTAAGTACCATCAATGATTGGGATG-3'
Protein context (NP_000048.1, residues 126-146): PTVKKSRDTA[Leu136Phe]KKLEFSSSPD

ClinVar aggregate classification (germline): Uncertain significance (1 of 4 stars; one submission).

Conditions:
Bloom syndrome (BLM). Also called: Bloom-Torre-Machacek syndrome. Identifiers: Orphanet 125, MedGen C0005859, MONDO:0008876, OMIM 210900.

Submission:

Labcorp Genetics (formerly Invitae), Labcorp
Classification: Uncertain significance for Bloom syndrome. Last evaluated: 2023-12-21. Review status: criteria provided, single submitter. Criteria: Invitae Variant Classification Sherloc (09022015). Collection method: clinical testing. Allele origin: germline.
Comment: This sequence change replaces leucine, which is neutral and non-polar, with phenylalanine, which is neutral and non-polar, at codon 136 of the BLM protein (p.Leu136Phe). This variant is not present in population databases (gnomAD no frequency). This variant has not been reported in the literature in individuals affected with BLM-related conditions. Algorithms developed to predict the effect of missense changes on protein structure and function output the following: SIFT: "Not Available"; PolyPhen-2: "Benign"; Align-GVGD: "Not Available". The phenylalanine amino acid residue is found in multiple mammalian species, which suggests that this missense change does not adversely affect protein function. In summary, the available evidence is currently insufficient to determine the role of this variant in disease. Therefore, it has been classified as a Variant of Uncertain Significance.